The following is an entry in ClinVar:

NM_000059.4(BRCA2):c.5351A>C (p.Asn1784Thr)

Gene: BRCA2 (BRCA2 DNA repair associated; plus strand). Cytogenetic location: 13q13.1.
Variant type: single nucleotide variant.
Coding change: c.5351A>C on transcript NM_000059.4 (MANE Select); coding-DNA position 5351, A replaced by C.
Protein change: p.Asn1784Thr; replaces asparagine 1784 with threonine.
Molecular consequence: missense variant.
Genome position (GRCh38, 1-based): chr13:32,339,706, A>C. VCF-style: chr13-32339706-A-C. GRCh37 (hg19) VCF-style: chr13-32913843-A-C.
Other names: short protein forms N1784T.
Identifiers: ClinVar variation 921806 (VCV000921806.8), dbSNP rs2072527448, ClinGen allele CA387785045.

ClinVar aggregate classification (germline): Conflicting classifications of pathogenicity. Review status: criteria provided, conflicting classifications (1 of 4 stars). 3 submissions from 3 submitters: Uncertain significance (2); Likely benign (1). Last evaluated 2023-12-05.

Conditions:
Hereditary cancer-predisposing syndrome. Also called: Neoplastic Syndromes, Hereditary; Tumor predisposition; Hereditary Cancer Syndrome; Hereditary neoplastic syndrome. Identifiers: Orphanet 140162, MedGen C0027672, MeSH D009386, MONDO:0015356.
Hereditary breast ovarian cancer syndrome. Also called: BRCA1- and BRCA2-Associated Hereditary Breast and Ovarian Cancer; Hereditary breast and ovarian cancer syndrome; Hereditary breast and ovarian cancer; Hereditary breast and ovarian cancer syndrome (HBOC); Breast and ovarian cancer; Hereditary breast and/or ovarian cancer syndrome. Identifiers: Orphanet 145, MedGen C0677776, MeSH D061325, MONDO:0003582. Disease mechanism: loss of function.

Submissions (3):

Color Diagnostics, LLC DBA Color Health
Classification: Uncertain significance for Hereditary cancer-predisposing syndrome. Last evaluated: 2023-12-05. Review status: criteria provided, single submitter. Criteria: ACMG Guidelines, 2015. Collection method: clinical testing. Allele origin: germline.
Comment: This missense variant replaces asparagine with threonine at codon 1784 of the BRCA2 protein. Computational prediction suggests that this variant may not impact protein structure and function (internally defined REVEL score threshold <= 0.5, PMID: 27666373). To our knowledge, functional studies have not been reported for this variant. This variant has not been reported in individuals affected with BRCA2-related disorders in the literature. This variant has not been identified in the general population by the Genome Aggregation Database (gnomAD). The available evidence is insufficient to determine the role of this variant in disease conclusively. Therefore, this variant is classified as a Variant of Uncertain Significance.

Labcorp Genetics (formerly Invitae), Labcorp
Classification: Uncertain significance for Hereditary breast ovarian cancer syndrome. Last evaluated: 2023-06-26. Review status: criteria provided, single submitter. Criteria: Invitae Variant Classification Sherloc (09022015). Collection method: clinical testing. Allele origin: germline.
Comment: This sequence change replaces asparagine, which is neutral and polar, with threonine, which is neutral and polar, at codon 1784 of the BRCA2 protein (p.Asn1784Thr). In summary, the available evidence is currently insufficient to determine the role of this variant in disease. Therefore, it has been classified as a Variant of Uncertain Significance. Advanced modeling of protein sequence and biophysical properties (such as structural, functional, and spatial information, amino acid conservation, physicochemical variation, residue mobility, and thermodynamic stability) performed at Invitae indicates that this missense variant is not expected to disrupt BRCA2 protein function. ClinVar contains an entry for this variant (Variation ID: 921806). This variant has not been reported in the literature in individuals affected with BRCA2-related conditions. This variant is not present in population databases (gnomAD no frequency).

University of Washington Department of Laboratory Medicine, University of Washington
Classification: Likely benign for Hereditary cancer-predisposing syndrome. Last evaluated: 2023-03-23. Review status: criteria provided, single submitter. Criteria: Dines et al. (Genet Med. 2020). Collection method: curation. Allele origin: germline.
Comment: Missense variant in a coldspot region where missense variants are very unlikely to be pathogenic (PMID:31911673).

BRCA2 exon 11 coldspot. Reclassification based on statistical prior probability.